The following is an entry in ClinVar:

NM_000062.3(SERPING1):c.1489G>A (p.Asp497Asn)

Gene: SERPING1 (serpin family G member 1; plus strand). Cytogenetic location: 11q12.1.
Variant type: single nucleotide variant.
Coding change: c.1489G>A on transcript NM_000062.3 (MANE Select); coding-DNA position 1489, G replaced by A.
Protein change: p.Asp497Asn; replaces aspartic acid 497 with asparagine.
Molecular consequence: missense variant.
Genome position (GRCh38, 1-based): chr11:57,614,567, G>A. VCF-style: chr11-57614567-G-A. GRCh37 (hg19) VCF-style: chr11-57382040-G-A.
Other names: c.1489G>A, p.Asp497Asn (NM_001032295.2); short protein forms D497N.
Identifiers: ClinVar variation 1047070 (VCV001047070.8), dbSNP rs1290828029, ClinGen allele CA380690946.

ClinVar aggregate classification (germline): Uncertain significance (1 of 4 stars; one submission).

Allele frequency attached by ClinVar (database versions not stated): gnomAD exomes below 0.00001; TOPMed below 0.00001; gnomAD 0.00001.
gnomAD v4.1: 7 of 1,613,686 alleles (0.00043%); highest among the groups gnomAD compares: Non-Finnish European, 0.00059%; no homozygotes.

Submission:

Labcorp Genetics (formerly Invitae), Labcorp
Classification: Uncertain significance. Last evaluated: 2022-02-11. Review status: criteria provided, single submitter. Criteria: Invitae Variant Classification Sherloc (09022015). Collection method: clinical testing. Allele origin: germline.
Comment: This variant has not been reported in the literature in individuals affected with SERPING1-related conditions. This sequence change replaces aspartic acid, which is acidic and polar, with asparagine, which is neutral and polar, at codon 497 of the SERPING1 protein (p.Asp497Asn). This variant is present in population databases (no rsID available, gnomAD 0.0009%). ClinVar contains an entry for this variant (Variation ID: 1047070). Algorithms developed to predict the effect of missense changes on protein structure and function output the following: SIFT: "Tolerated"; PolyPhen-2: "Possibly Damaging"; Align-GVGD: "Class C0". The asparagine amino acid residue is found in multiple mammalian species, which suggests that this missense change does not adversely affect protein function. In summary, the available evidence is currently insufficient to determine the role of this variant in disease. Therefore, it has been classified as a Variant of Uncertain Significance.